The following is an entry in ClinVar:

ClinVar aggregate classification (germline): Pathogenic (1 of 4 stars; one submission).

Submission:

Labcorp Genetics (formerly Invitae), Labcorp
Classification: Pathogenic. Last evaluated: 2025-03-03. Review status: criteria provided, single submitter. Criteria: Invitae Variant Classification Sherloc (09022015). Collection method: clinical testing. Allele origin: germline.
Comment: This sequence change creates a premature translational stop signal (p.Trp196*) in the SLC6A19 gene. It is expected to result in an absent or disrupted protein product. Loss-of-function variants in SLC6A19 are known to be pathogenic (PMID: 15286787, 15286788). This variant is present in population databases (rs138326359, gnomAD 0.02%). This variant has not been reported in the literature in individuals affected with SLC6A19-related conditions. For these reasons, this variant has been classified as Pathogenic.

Literature cited by the submitters: PubMed 15286787; PubMed 15286788.

NM_001003841.3(SLC6A19):c.587G>A (p.Trp196Ter)

Gene: SLC6A19 (solute carrier family 6 member 19; plus strand). Cytogenetic location: 5p15.33.
Variant type: single nucleotide variant.
Coding change: c.587G>A on transcript NM_001003841.3 (MANE Select); coding-DNA position 587, G replaced by A.
Protein change: p.Trp196Ter; replaces tryptophan 196 with a stop codon.
Molecular consequence: nonsense.
Genome position (GRCh38, 1-based): chr5:1,212,408, G>A. VCF-style: chr5-1212408-G-A. GRCh37 (hg19) VCF-style: chr5-1212523-G-A.
Other names: short protein forms W196*.
Identifiers: ClinVar variation 3627640 (VCV003627640.2).